The following is an entry in ClinVar:

ClinVar aggregate classification (germline): Conflicting classifications of pathogenicity. Review status: criteria provided, conflicting classifications (1 of 4 stars). 4 submissions from 4 submitters: Likely pathogenic (1); Uncertain significance (3). Last evaluated 2024-10-17.

Conditions:
Hereditary cancer-predisposing syndrome. Also called: Neoplastic Syndromes, Hereditary; Hereditary Cancer Syndrome; Tumor predisposition; Hereditary neoplastic syndrome. Identifiers: Orphanet 140162, MedGen C0027672, MeSH D009386, MONDO:0015356.
Breast-ovarian cancer, familial, susceptibility to, 3. Also called: RAD51C-Related Breast/Ovarian Cancer. Identifiers: Orphanet 145, MedGen C3150659, MONDO:0013253, OMIM 613399.
Fanconi anemia complementation group O. Also called: RAD51C-Related Fanconi Anemia. Identifiers: Orphanet 84, MedGen C3150653, MONDO:0013248, OMIM 613390.

Submissions (4):

Myriad Genetics, Inc.
Classification: Likely pathogenic for Breast-ovarian cancer, familial, susceptibility to, 3. Last evaluated: 2024-10-17. Review status: criteria provided, single submitter. Criteria: Myriad Autosomal Dominant, Autosomal Recessive and X-Linked Classification Criteria (2023). Collection method: clinical testing. Allele origin: unknown.
Comment: This variant is considered likely pathogenic. mRNA analysis has demonstrated abnormal mRNA splicing occurs [Myriad internal data].

Ambry Genetics
Classification: Uncertain significance for Hereditary cancer-predisposing syndrome. Last evaluated: 2024-08-27. Review status: criteria provided, single submitter. Criteria: Ambry Variant Classification Scheme 2023. Collection method: clinical testing. Allele origin: germline.
Comment: The c.222A>G variant (also known as p.R74R), located in coding exon 2 of the RAD51C gene, results from an A to G substitution at nucleotide position 222. This nucleotide substitution does not change the amino acid at 74. This nucleotide position is not well conserved in available vertebrate species. In silico splice site analysis predicts that this alteration will result in the creation or strengthening of a novel splice donor site. RNA studies have demonstrated that this alteration results in a transcript predicted to lead to a protein with an in-frame deletion of 62 and insertion of 1 amino acid(s); however, the exact functional impact of the deleted and inserted amino acid(s) is unknown at this time (Ambry internal data). Based on the available evidence, the clinical significance of this variant remains unclear.

Color Diagnostics, LLC DBA Color Health
Classification: Uncertain significance for Hereditary cancer-predisposing syndrome. Last evaluated: 2023-12-05. Review status: criteria provided, single submitter. Criteria: ACMG Guidelines, 2015. Collection method: clinical testing. Allele origin: germline.
Comment: This synonymous variant does not change the amino acid sequence of the RAD51C protein. Splice site prediction tools suggest that this variant may create a new splice donor site, although this prediction has not been confirmed in published RNA studies. To our knowledge, this variant has not been reported in individuals affected with hereditary cancer in the literature. This variant has not been identified in the general population by the Genome Aggregation Database (gnomAD). The available evidence is insufficient to determine the role of this variant in disease conclusively. Therefore, this variant is classified as a Variant of Uncertain Significance.

Labcorp Genetics (formerly Invitae), Labcorp
Classification: Uncertain significance for Fanconi anemia complementation group O. Last evaluated: 2022-03-09. Review status: criteria provided, single submitter. Criteria: Invitae Variant Classification Sherloc (09022015). Collection method: clinical testing. Allele origin: germline.
Comment: In summary, the available evidence is currently insufficient to determine the role of this variant in disease. Therefore, it has been classified as a Variant of Uncertain Significance. Algorithms developed to predict the effect of sequence changes on RNA splicing suggest that this variant may create or strengthen a splice site. ClinVar contains an entry for this variant (Variation ID: 1037480). This variant has not been reported in the literature in individuals affected with RAD51C-related conditions. This variant is not present in population databases (gnomAD no frequency). This sequence change affects codon 74 of the RAD51C mRNA. It is a 'silent' change, meaning that it does not change the encoded amino acid sequence of the RAD51C protein.

NM_058216.3(RAD51C):c.222A>G (p.Arg74=)

Gene: RAD51C (RAD51 paralog C; plus strand). Cytogenetic location: 17q22.
Variant type: single nucleotide variant.
Coding change: c.222A>G on transcript NM_058216.3 (MANE Select); coding-DNA position 222, A replaced by G.
Protein change: p.Arg74=; no amino-acid change (arginine 74 retained).
Molecular consequence: synonymous variant. On other transcripts: non-coding transcript variant (2).
Genome position (GRCh38, 1-based): chr17:58,695,007, A>G. VCF-style: chr17-58695007-A-G. GRCh37 (hg19) VCF-style: chr17-56772368-A-G.
Other names: c.222A>G (NM_058216.1); c.222A>G, p.Arg74= (NM_002876.4).
Identifiers: ClinVar variation 1037480 (VCV001037480.19), dbSNP rs2047945471, ClinGen allele CA501074583.